The following is an entry in ClinVar:

ClinVar aggregate classification (germline): not provided. Review status: no classification provided (0 of 4 stars). 2 submissions from 2 submitters: not provided (1). 1 of the submissions does not count toward it.

Conditions:
Glaucoma 1, open angle, F (GLC1F). Identifiers: MedGen C1863926, OMIM 603383, MONDO:0011311.

Allele frequency attached by ClinVar (database versions not stated): TOPMed 0.00003; ESP Exome Variant Server 0.00008; 1000 Genomes Project 30x 0.00016; gnomAD exomes 0.00019 and 0.00050; 1000 Genomes Project 0.00020; gnomAD 0.00031 and 0.00032; ExAC 0.00041.
gnomAD v4.1: 334 of 1,613,074 alleles (0.021%); highest among the groups gnomAD compares: South Asian, 0.036%; 1 homozygote.

Submissions (2):

Casey Eye Institute Glaucoma Genetics Lab 
No classification provided. Condition: Glaucoma 1, open angle, F. Review status: no classification provided. Collection method: not provided. Allele origin: somatic.

OMIM
Classification: Pathogenic for GLAUCOMA 1, OPEN ANGLE, F. Last evaluated: 2012-03-15. Review status: flagged submission. Collection method: literature only. Allele origin: germline. Not counted in ClinVar's aggregate classification.
ClinVar note: Notes: Flagging candidate with reason of insufficient supporting evidence. This gene has been classified as having a limited gene-disease relationship by a ClinGen Expert Panel.
ClinVar note: Reason: Other

Literature cited by the submitters: PubMed 10037570 (cited by OMIM); PubMed 22156576 (cited by OMIM).

NM_001142459.2(ASB10):c.810C>T (p.Thr270=)

Gene: ASB10 (ankyrin repeat and SOCS box containing 10; minus strand). Cytogenetic location: 7q36.1.
Variant type: single nucleotide variant.
Coding change: c.810C>T on transcript NM_001142459.2 (MANE Select); coding-DNA position 810, C replaced by T.
Protein change: p.Thr270=; no amino-acid change (threonine 270 retained).
Molecular consequence: synonymous variant.
Genome position (GRCh38, 1-based): chr7:151,181,233, G>A on the plus strand (C>T on the coding strand, the complement: ASB10 is on the minus strand). VCF-style: chr7-151181233-G-A. GRCh37 (hg19) VCF-style: chr7-150878320-G-A.
Other names: ASB10, THR255THR (rs104886478); T255T; c.810C>T, p.Thr270= (NM_001142460.1); c.765C>T, p.Thr255= (NM_080871.4).
Identifiers: ClinVar variation 50951 (VCV000050951.1), dbSNP rs104886478, ClinGen allele CA143895.